The following is an entry in ClinVar:

NM_001394062.1(MACF1):c.15272A>G (p.His5091Arg)

Gene: MACF1 (microtubule actin crosslinking factor 1; plus strand). Cytogenetic location: 1p34.3.
Variant type: single nucleotide variant.
Coding change: c.15272A>G on transcript NM_001394062.1 (MANE Select); coding-DNA position 15272, A replaced by G.
Protein change: p.His5091Arg; replaces histidine 5091 with arginine.
Molecular consequence: missense variant.
Genome position (GRCh38, 1-based): chr1:39,388,114, A>G. VCF-style: chr1-39388114-A-G. GRCh37 (hg19) VCF-style: chr1-39853786-A-G.
Other names: c.9086A>G, p.His3029Arg (NM_012090.5); short protein forms H3029R, H5091R.
Identifiers: ClinVar variation 1982599 (VCV001982599.4), dbSNP rs1641870437, ClinGen allele CA339744608.

ClinVar aggregate classification (germline): Uncertain significance (1 of 4 stars; one submission).

Allele frequency attached by ClinVar (database versions not stated): TOPMed below 0.00001; gnomAD 0.00001.
gnomAD v4.1: 1 of 1,613,988 alleles (0.000062%); highest among the groups gnomAD compares: Admixed American, 0.0017%; no homozygotes.

Submission:

Labcorp Genetics (formerly Invitae), Labcorp
Classification: Uncertain significance. Last evaluated: 2024-05-07. Review status: criteria provided, single submitter. Criteria: Invitae Variant Classification Sherloc (09022015). Collection method: clinical testing. Allele origin: germline.
Comment: This sequence change replaces histidine, which is basic and polar, with arginine, which is basic and polar, at codon 3029 of the MACF1 protein (p.His3029Arg). This variant is not present in population databases (gnomAD no frequency). This variant has not been reported in the literature in individuals affected with MACF1-related conditions. ClinVar contains an entry for this variant (Variation ID: 1982599). Algorithms developed to predict the effect of missense changes on protein structure and function output the following: SIFT: "Not Available"; PolyPhen-2: "Benign"; Align-GVGD: "Not Available". The arginine amino acid residue is found in multiple mammalian species, which suggests that this missense change does not adversely affect protein function. In summary, the available evidence is currently insufficient to determine the role of this variant in disease. Therefore, it has been classified as a Variant of Uncertain Significance.